The following is an entry in ClinVar:

NM_001164665.2(KIAA1549):c.1794G>A (p.Val598=)

Gene: KIAA1549 (KIAA1549; minus strand). Cytogenetic location: 7q34.
Variant type: single nucleotide variant.
Coding change: c.1794G>A on transcript NM_001164665.2 (MANE Select); coding-DNA position 1794, G replaced by A.
Protein change: p.Val598=; no amino-acid change (valine 598 retained).
Molecular consequence: synonymous variant.
Genome position (GRCh38, 1-based): chr7:138,917,832, C>T on the plus strand (G>A on the coding strand, the complement: KIAA1549 is on the minus strand). VCF-style: chr7-138917832-C-T. GRCh37 (hg19) VCF-style: chr7-138602578-C-T.
Other names: c.1794G>A, p.Val598= (NM_020910.3).
Identifiers: ClinVar variation 1521129 (VCV001521129.10), dbSNP rs376038326, ClinGen allele CA4506630.

ClinVar aggregate classification (germline): Likely benign. Review status: criteria provided, multiple submitters, no conflicts (2 of 4 stars). 2 submissions from 2 submitters: Likely benign (2). Last evaluated 2026-06-01.

Allele frequency attached by ClinVar (database versions not stated): gnomAD exomes 0.00001 and 0.00002; gnomAD 0.00002; TOPMed 0.00004; ExAC 0.00005; ESP Exome Variant Server 0.00017.
gnomAD v4.1: 17 of 1,600,342 alleles (0.0011%); highest among the groups gnomAD compares: Non-Finnish European, 0.0014%; no homozygotes.

Submissions (2):

CeGaT Center for Human Genetics Tuebingen
Classification: Likely benign. Last evaluated: 2026-06-01. Review status: criteria provided, single submitter. Criteria: CeGaT Center For Human Genetics Tuebingen Variant Classification Criteria Version 2. Collection method: clinical testing. Allele origin: germline. Affected: yes. Observed: 1 variant allele.
Comment: KIAA1549: BP4, BP7

Labcorp Genetics (formerly Invitae), Labcorp
Classification: Likely benign. Last evaluated: 2024-02-24. Review status: criteria provided, single submitter. Criteria: Invitae Variant Classification Sherloc (09022015). Collection method: clinical testing. Allele origin: germline.